The following is an entry in ClinVar:

NC_000008.11:g.86711345_86711346ins[MF045864.2:g.1_98770]

Gene: CNGB3 (cyclic nucleotide gated channel subunit beta 3; minus strand). Cytogenetic location: 8q21.3.
Variant type: Insertion.
Identifiers: ClinVar variation 430673 (VCV000430673.1).

ClinVar aggregate classification (germline): Pathogenic (0 of 4 stars; one submission).

Conditions:
Achromatopsia 3 (ACHM3). Also called: PINGELAPESE BLINDNESS; TOTAL COLORBLINDNESS WITH MYOPIA; ROD MONOCHROMACY 1; ROD MONOCHROMATISM 1; ACHROMATOPSIA WITH MYOPIA. Identifiers: Orphanet 49382, MedGen C1849792, MONDO:0009875, OMIM 262300.

Submission:

Molecular Genetics Laboratory, Institute for Ophthalmic Research
Classification: Pathogenic for ACHM3. Last evaluated: 2017-03-27. Review status: no assertion criteria provided. Collection method: research. Allele origin: germline. Affected: yes.
Comment: Tandem duplication of exons 4-13

Literature cited by the submitters: PubMed 28795510.